The following is an entry in ClinVar:

ClinVar aggregate classification (germline): Uncertain significance (1 of 4 stars; one submission).

gnomAD v4.1: 2 of 1,614,054 alleles (0.00012%); no homozygotes.

Submission:

GeneDx
Classification: Uncertain significance. Last evaluated: 2023-07-06. Review status: criteria provided, single submitter. Criteria: GeneDx Variant Classification Process June 2021. Collection method: clinical testing. Allele origin: germline. Affected: yes.
Comment: In silico analysis supports that this missense variant does not alter protein structure/function; Has not been previously published as pathogenic or benign to our knowledge

NM_138691.3(TMC1):c.1555A>G (p.Met519Val)

Gene: TMC1 (transmembrane channel like 1; plus strand). Cytogenetic location: 9q21.13.
Variant type: single nucleotide variant.
Coding change: c.1555A>G on transcript NM_138691.3 (MANE Select); coding-DNA position 1555, A replaced by G.
Protein change: p.Met519Val; replaces methionine 519 with valine.
Molecular consequence: missense variant.
Genome position (GRCh38, 1-based): chr9:72,792,341, A>G. VCF-style: chr9-72792341-A-G. GRCh37 (hg19) VCF-style: chr9-75407257-A-G.
Other names: short protein forms M519V.
Identifiers: ClinVar variation 3360434 (VCV003360434.1).